The following is an entry in ClinVar:

NM_003647.3(DGKE):c.842G>A (p.Gly281Glu)

Gene: DGKE (diacylglycerol kinase epsilon; plus strand). Cytogenetic location: 17q22.
Variant type: single nucleotide variant.
Coding change: c.842G>A on transcript NM_003647.3 (MANE Select); coding-DNA position 842, G replaced by A.
Protein change: p.Gly281Glu; replaces glycine 281 with glutamic acid.
Molecular consequence: missense variant.
Genome position (GRCh38, 1-based): chr17:56,848,019, G>A. VCF-style: chr17-56848019-G-A. GRCh37 (hg19) VCF-style: chr17-54925380-G-A.
Other names: short protein forms G281E.
Identifiers: ClinVar variation 1329494 (VCV001329494.3), dbSNP rs755230915, ClinGen allele CA399927382.

ClinVar aggregate classification (germline): Likely pathogenic (1 of 4 stars; one submission).

Conditions:
Immunoglobulin-mediated membranoproliferative glomerulonephritis. Also called: Nephrotic syndrome, type 7; NEPHROTIC SYNDROME, TYPE 7, WITH MEMBRANOPROLIFERATIVE GLOMERULONEPHRITIS. Identifiers: Orphanet 329903, MedGen C3554330, MONDO:0014005, OMIM 615008.

Submission:

Diagnostics Services (NGS), CSIR - Centre For Cellular And Molecular Biology
Classification: Likely pathogenic for Immunoglobulin-mediated membranoproliferative glomerulonephritis. Last evaluated: 2021-06-11. Review status: criteria provided, single submitter. Criteria: ACMG Guidelines, 2015. Collection method: clinical testing. Allele origin: germline. Inheritance: Autosomal recessive inheritance. Affected: yes. Observed: 1 variant allele, 1 homozygote.
Comment: The c.842G>A variant is not present in publicly available population databases like 1000 Genomes, Exome Variant Server (EVS), Exome Aggregation Consortium (ExAC), Genome Aggregation Database (gnomAD) and dbSNP. The variant is also not present in Indian Exome Database and in our in-house exome database. The variant was not earlier reported to ClinVar, Human Genome Mutation Database and/or OMIM databases in any affected individuals. In-silico pathogenicity prediction programs like SIFT, Polyphen-2, MutationTaster2, CADD, Varsome etc. predicted this variant to be likely deleterious. The variant is present in the catalytic domain of diacylglycerol kinase-epsilon enzyme, encoded by DGKE gene.